The following is an entry in ClinVar:

NM_001267550.2(TTN):c.32335G>T (p.Val10779Phe)

Gene: TTN (titin; minus strand). Cytogenetic location: 2q31.2.
Variant type: single nucleotide variant.
Coding change: c.32335G>T on transcript NM_001267550.2 (MANE Select); coding-DNA position 32335, G replaced by T.
Protein change: p.Val10779Phe; replaces valine 10779 with phenylalanine.
Molecular consequence: missense variant. On other transcripts: intron variant (3).
Genome position (GRCh38, 1-based): chr2:178,685,575, C>A on the plus strand (G>T on the coding strand, the complement: TTN is on the minus strand). VCF-style: chr2-178685575-C-A. GRCh37 (hg19) VCF-style: chr2-179550302-C-A.
Other names: c.31384G>T, p.Val10462Phe (NM_001256850.1); c.28603G>T, p.Val9535Phe (NM_133378.4); c.13283-43258G>T (NM_003319.4); c.13859-43258G>T (NM_133437.4); c.13658-43258G>T (NM_133432.3); short protein forms V10462F, V10779F, V9535F.
Identifiers: ClinVar variation 2428627 (VCV002428627.3), dbSNP rs531675493, ClinGen allele CA1998659.

ClinVar aggregate classification (germline): Uncertain significance (1 of 4 stars; one submission).

Allele frequency attached by ClinVar (database versions not stated): TOPMed below 0.00001.
gnomAD v4.1: 8 of 1,613,576 alleles (0.0005%); highest among the groups gnomAD compares: Admixed American, 0.013%; no homozygotes.

Submission:

ARUP Laboratories, Molecular Genetics and Genomics, ARUP Laboratories
Classification: Uncertain significance. Last evaluated: 2022-03-08. Review status: criteria provided, single submitter. Criteria: ARUP Molecular Germline Variant Investigation Process 2021. Collection method: clinical testing. Allele origin: germline.
Comment: The TTN c.32335G>T; p.Val10779Phe variant (rs531675493) is rare in the general population (<0.2% allele frequency in the Genome Aggregation Database) and has not been reported in the medical literature in association with dilated cardiomyopathy (DCM) or other TTN-related disease. The clinical relevance of rare missense variants in this gene, which are identified on average once per individual sequenced in affected populations (Herman 2012), is not well understood. Yet, evidence suggests that the vast majority of such missense variants do not contribute to the clinical outcome of DCM (Begay 2015). Thus, the clinical significance of the p.Val10779Phe variant cannot be determined with certainty.